The following is an entry in ClinVar:

NM_000297.4(PKD2):c.1242G>A (p.Trp414Ter)

Gene: PKD2 (polycystin 2, transient receptor potential cation channel; plus strand). Cytogenetic location: 4q22.1.
Variant type: single nucleotide variant.
Coding change: c.1242G>A on transcript NM_000297.4 (MANE Select); coding-DNA position 1242, G replaced by A.
Protein change: p.Trp414Ter; replaces tryptophan 414 with a stop codon.
Molecular consequence: nonsense. On other transcripts: non-coding transcript variant (1).
Genome position (GRCh38, 1-based): chr4:88,043,380, G>A. VCF-style: chr4-88043380-G-A. GRCh37 (hg19) VCF-style: chr4-88964532-G-A.
Other names: p.Trp414*; short protein forms W414*.
Identifiers: ClinVar variation 3255042 (VCV003255042.4), dbSNP rs1553925852.

ClinVar aggregate classification (germline): Pathogenic. Review status: criteria provided, multiple submitters, no conflicts (2 of 4 stars). 4 submissions from 4 submitters: Pathogenic (4). Last evaluated 2025-09-05.

Conditions:
Polycystic kidney disease 2 (PKD2). Also called: Polycystic Kidney Disease 2, Autosomal Dominant; POLYCYSTIC KIDNEY DISEASE, ADULT, TYPE II; POLYCYSTIC KIDNEY DISEASE 2 WITH OR WITHOUT POLYCYSTIC LIVER DISEASE. Identifiers: MedGen C2751306, MONDO:0013131, OMIM 613095.

gnomAD v4.1: 1 of 1,614,014 alleles (0.000062%); highest among the groups gnomAD compares: Non-Finnish European, 0.000085%; no homozygotes.

Submissions (4):

Mayo Clinic Laboratories, Mayo Clinic
Classification: Pathogenic. Last evaluated: 2025-09-05. Review status: criteria provided, single submitter. Criteria: ACMG Guidelines, 2015. Collection method: clinical testing. Allele origin: germline. Observed: 1 variant allele.
Comment: PM2_supporting, PS4_supporting, PVS1

Women's Health and Genetics/Laboratory Corporation of America, LabCorp
Classification: Pathogenic for Polycystic kidney disease 2. Last evaluated: 2024-11-18. Review status: criteria provided, single submitter. Criteria: LabCorp Variant Classification Summary - May 2015. Collection method: clinical testing. Allele origin: germline.
Comment: Variant summary: PKD2 c.1242G>A (p.Trp414X) results in a premature termination codon, predicted to cause a truncation of the encoded protein or absence of the protein due to nonsense mediated decay, which are commonly known mechanisms for disease. The variant was absent in 251136 control chromosomes. c.1242G>A has been reported in the literature in at least one individual affected with Polycystic Kidney Disease 2 (Hogan_2015). To our knowledge, no experimental evidence demonstrating an impact on protein function has been reported. The following publication has been ascertained in the context of this evaluation (PMID: 25475747). ClinVar contains an entry for this variant (Variation ID: 3255042). Based on the evidence outlined above, the variant was classified as pathogenic.

Fulgent Genetics
Classification: Pathogenic for Polycystic kidney disease 2. Last evaluated: 2024-04-09. Review status: criteria provided, single submitter. Criteria: ACMG Guidelines, 2015. Collection method: clinical testing. Allele origin: germline.

Victorian Clinical Genetics Services, Murdoch Childrens Research Institute
Classification: Pathogenic for Polycystic kidney disease 2. Last evaluated: 2023-12-21. Review status: criteria provided, single submitter. Criteria: ACMG Guidelines, 2015. Collection method: clinical testing. Allele origin: germline. Inheritance: Autosomal dominant inheritance. Affected: yes.
Comment: Based on the classification scheme VCGS_Germline_v1.3.4, this variant is classified as Pathogenic. Following criteria are met: 0102 - Loss of function is a known mechanism of disease in this gene and is associated with polycystic kidney disease 2 (MIM#613095). (I) 0107 - This gene is associated with autosomal dominant disease. (I) 0201 - Variant is predicted to cause nonsense-mediated decay (NMD) and loss of protein (premature termination codon is located at least 54 nucleotides upstream of the final exon-exon junction). (SP) 0251 - This variant is heterozygous. (I) 0301 - Variant is absent from gnomAD (both v2 and v3). (SP) 0701 - Other NMD-predicted variants comparable to the one identified in this case have very strong previous evidence for pathogenicity (DECIPHER). (SP) 0803 - This variant has limited previous evidence of pathogenicity in unrelated individuals. This variant has been reported as pathogenic, and observed in at least two individuals with polycystic kidney disease (PMID: 25475747). (SP) 1208 - Inheritance information for this variant is not currently available in this individual. (I) Legend: (SP) - Supporting pathogenic, (I) - Information, (SB) - Supporting benign

Literature cited by the submitters: PubMed 25475747 (cited by 3 submitters).